The following is an entry in ClinVar:

ClinVar aggregate classification (germline): Uncertain significance. Review status: criteria provided, multiple submitters, no conflicts (2 of 4 stars). 2 submissions from 2 submitters: Uncertain significance (2). Last evaluated 2026-05-04.

Conditions:
Cardiovascular phenotype. Identifiers: MedGen CN230736.
RASopathy. Also called: Noonan spectrum disorder; rasopathies. Identifiers: Orphanet 536391, MedGen C5555857, MONDO:0021060.

Submissions (2):

Ambry Genetics
Classification: Uncertain significance for Cardiovascular phenotype. Last evaluated: 2026-05-04. Review status: criteria provided, single submitter. Criteria: Ambry Variant Classification Scheme 2023. Collection method: clinical testing. Allele origin: germline.
Comment: The p.E195Q variant (also known as c.583G>C), located in coding exon 5 of the PTPN11 gene, results from a G to C substitution at nucleotide position 583. The glutamic acid at codon 195 is replaced by glutamine, an amino acid with highly similar properties. This amino acid position is conserved. In addition, this alteration is predicted to be deleterious by in silico analysis. Based on the available evidence, the clinical significance of this variant remains unclear.

Labcorp Genetics (formerly Invitae), Labcorp
Classification: Uncertain significance for RASopathy. Last evaluated: 2022-09-11. Review status: criteria provided, single submitter. Criteria: Invitae Variant Classification Sherloc (09022015). Collection method: clinical testing. Allele origin: germline.
Comment: This variant has not been reported in the literature in individuals affected with PTPN11-related conditions. Advanced modeling of protein sequence and biophysical properties (such as structural, functional, and spatial information, amino acid conservation, physicochemical variation, residue mobility, and thermodynamic stability) performed at Invitae indicates that this missense variant is expected to disrupt PTPN11 protein function. This variant is not present in population databases (gnomAD no frequency). This sequence change replaces glutamic acid, which is acidic and polar, with glutamine, which is neutral and polar, at codon 195 of the PTPN11 protein (p.Glu195Gln). In summary, the available evidence is currently insufficient to determine the role of this variant in disease. Therefore, it has been classified as a Variant of Uncertain Significance.

NM_002834.5(PTPN11):c.583G>C (p.Glu195Gln)

Gene: PTPN11 (protein tyrosine phosphatase non-receptor type 11; plus strand). Cytogenetic location: 12q24.13.
Variant type: single nucleotide variant.
Coding change: c.583G>C on transcript NM_002834.5 (MANE Select); coding-DNA position 583, G replaced by C.
Protein change: p.Glu195Gln; replaces glutamic acid 195 with glutamine.
Molecular consequence: missense variant.
Genome position (GRCh38, 1-based): chr12:112,454,621, G>C. VCF-style: chr12-112454621-G-C. GRCh37 (hg19) VCF-style: chr12-112892425-G-C.
Other names: c.583G>C, p.Glu195Gln (NM_001330437.2, NM_080601.3); c.580G>C, p.Glu194Gln (NM_001374625.1); short protein forms E195Q, E194Q.
Identifiers: ClinVar variation 1908643 (VCV001908643.6), dbSNP rs1181200121, ClinGen allele CA386782410.